The following is an entry in ClinVar:

ClinVar aggregate classification (germline): Likely benign. Review status: criteria provided, multiple submitters, no conflicts (2 of 4 stars). 3 submissions from 3 submitters: Likely benign (3). Last evaluated 2026-08-12.

Conditions:
Ehlers-Danlos syndrome, classic type (cEDS). Identifiers: Orphanet 287, MedGen C4225429, MONDO:0007522.
Familial thoracic aortic aneurysm and aortic dissection (TAAD). Also called: Thoracic aortic aneurysms and dissections. Identifiers: Orphanet 91387, MedGen C4707243, MONDO:0019625.

Allele frequency attached by ClinVar (database versions not stated): TOPMed 0.00011.
gnomAD v4.1: 53 of 1,612,772 alleles (0.0033%); highest among the groups gnomAD compares: Middle Eastern, 0.049%; no homozygotes.

Submissions (3):

Ambry Genetics
Classification: Likely benign for Familial thoracic aortic aneurysm and aortic dissection. Last evaluated: 2026-08-12. Review status: criteria provided, single submitter. Criteria: Ambry Variant Classification Scheme 2023. Collection method: clinical testing. Allele origin: germline.

Blueprint Genetics
Classification: Likely benign. Last evaluated: 2023-09-04. Review status: criteria provided, single submitter. Criteria: ACMG Guidelines, 2015. Collection method: clinical testing. Allele origin: germline.

Illumina Laboratory Services, Illumina
Classification: Likely benign for Ehlers-Danlos syndrome, classic type, 1. Last evaluated: 2018-01-12. Review status: criteria provided, single submitter. Criteria: ICSL Variant Classification Criteria 13 December 2019. Collection method: clinical testing. Allele origin: germline.
Comment: This variant was observed in the ICSL laboratory as part of a predisposition screen in an ostensibly healthy population. It had not been previously curated by ICSL or reported in the Human Gene Mutation Database (HGMD: prior to June 1st, 2018), and was therefore a candidate for classification through an automated scoring system. Utilizing variant allele frequency, disease prevalence and penetrance estimates, and inheritance mode, an automated score was calculated to assess if this variant is too frequent to cause the disease. Based on the score and internal cut-off values, a variant classified as likely benign is not then subjected to further curation. The score for this variant resulted in a classification of likely benign for this disease.

NM_000093.5(COL5A1):c.431C>A (p.Thr144Lys)

Gene: COL5A1 (collagen type V alpha 1 chain; plus strand). Cytogenetic location: 9q34.3.
Variant type: single nucleotide variant.
Coding change: c.431C>A on transcript NM_000093.5 (MANE Select); coding-DNA position 431, C replaced by A.
Protein change: p.Thr144Lys; replaces threonine 144 with lysine.
Molecular consequence: missense variant.
Genome position (GRCh38, 1-based): chr9:134,700,062, C>A. VCF-style: chr9-134700062-C-A. GRCh37 (hg19) VCF-style: chr9-137591908-C-A.
Other names: c.431C>A (NM_000093.3); c.431C>A, p.Thr144Lys (NM_001278074.1); short protein forms T144K.
Identifiers: ClinVar variation 365706 (VCV000365706.9), dbSNP rs561761305, ClinGen allele CA5318291.